The following is an entry in ClinVar:

NM_001673.5(ASNS):c.1115A>G (p.Gln372Arg)

Genes: ASNS (asparagine synthetase (glutamine-hydrolyzing); minus strand), CZ1P-ASNS (CZ1P-ASNS readthrough; minus strand). Cytogenetic location: 7q21.3.
Variant type: single nucleotide variant.
Coding change: c.1115A>G on transcript NM_001673.5 (MANE Select); coding-DNA position 1115, A replaced by G.
Protein change: p.Gln372Arg; replaces glutamine 372 with arginine.
Molecular consequence: missense variant. On other transcripts: non-coding transcript variant (1).
Genome position (GRCh38, 1-based): chr7:97,855,375, T>C on the plus strand (A>G on the coding strand, the complement: ASNS is on the minus strand). VCF-style: chr7-97855375-T-C. GRCh37 (hg19) VCF-style: chr7-97484687-T-C.
Other names: c.1052A>G, p.Gln351Arg (NM_001178075.2); c.866A>G, p.Gln289Arg (NM_001178076.2, NM_001178077.1); c.1115A>G, p.Gln372Arg (NM_001352496.2, NM_133436.3, NM_183356.4); short protein forms Q289R, Q351R, Q372R.
Identifiers: ClinVar variation 3375674 (VCV003375674.2).

ClinVar aggregate classification (germline): Uncertain significance (1 of 4 stars; one submission).

Submission:

GeneDx
Classification: Uncertain significance. Last evaluated: 2025-05-06. Review status: criteria provided, single submitter. Criteria: GeneDx Variant Classification Process June 2021. Collection method: clinical testing. Allele origin: germline.
Comment: Not observed at significant frequency in large population cohorts (gnomAD); In silico analysis supports that this missense variant has a deleterious effect on protein structure/function; Has not been previously published as pathogenic or benign to our knowledge